The following is an entry in ClinVar:

ClinVar aggregate classification (germline): Benign (1 of 4 stars; one submission).

Allele frequency attached by ClinVar (database versions not stated): 1000 Genomes Project 0.00100; 1000 Genomes Project 30x 0.00109; gnomAD 0.00373; TOPMed 0.00380.
gnomAD v4.1: 9,582 of 1,597,918 alleles (0.6%); highest among the groups gnomAD compares: Non-Finnish European, 0.77%; 41 homozygotes.

Submission:

CeGaT Center for Human Genetics Tuebingen
Classification: Benign. Last evaluated: 2026-05-01. Review status: criteria provided, single submitter. Criteria: CeGaT Center For Human Genetics Tuebingen Variant Classification Criteria Version 2. Collection method: clinical testing. Allele origin: germline. Affected: yes. Observed: 9 variant alleles.
Comment: COL2A1: BS1, BS2

NM_001844.5(COL2A1):c.3165+80G>A

Gene: COL2A1 (collagen type II alpha 1 chain; minus strand). Cytogenetic location: 12q13.11.
Variant type: single nucleotide variant.
Coding change: c.3165+80G>A on transcript NM_001844.5 (MANE Select); 80 bases into the intron after coding-DNA position 3165, G replaced by A.
Molecular consequence: intron variant.
Genome position (GRCh38, 1-based): chr12:47,977,520, C>T on the plus strand (G>A on the coding strand, the complement: COL2A1 is on the minus strand). VCF-style: chr12-47977520-C-T. GRCh37 (hg19) VCF-style: chr12-48371303-C-T.
Other names: c.2958+80G>A (NM_033150.3).
Identifiers: ClinVar variation 2642924 (VCV002642924.24), dbSNP rs41272747, ClinGen allele CA236521123.